The following is an entry in ClinVar:

ClinVar aggregate classification (germline): Uncertain significance. Review status: criteria provided, multiple submitters, no conflicts (2 of 4 stars). 2 submissions from 2 submitters: Uncertain significance (2). Last evaluated 2024-04-30.

Allele frequency attached by ClinVar (database versions not stated): ExAC 0.00001; gnomAD 0.00003; TOPMed 0.00006.
gnomAD v4.1: 56 of 1,613,808 alleles (0.0035%); highest among the groups gnomAD compares: East Asian, 0.0045%; no homozygotes.

Submissions (2):

Ambry Genetics
Classification: Uncertain significance. Last evaluated: 2024-04-30. Review status: criteria provided, single submitter. Criteria: Ambry Variant Classification Scheme 2023. Collection method: clinical testing. Allele origin: germline.

Labcorp Genetics (formerly Invitae), Labcorp
Classification: Uncertain significance. Last evaluated: 2023-07-11. Review status: criteria provided, single submitter. Criteria: Invitae Variant Classification Sherloc (09022015). Collection method: clinical testing. Allele origin: germline.
Comment: In summary, the available evidence is currently insufficient to determine the role of this variant in disease. Therefore, it has been classified as a Variant of Uncertain Significance. Advanced modeling of protein sequence and biophysical properties (such as structural, functional, and spatial information, amino acid conservation, physicochemical variation, residue mobility, and thermodynamic stability) performed at Invitae indicates that this missense variant is not expected to disrupt ATP2B4 protein function. This variant has not been reported in the literature in individuals affected with ATP2B4-related conditions. This variant is present in population databases (rs768136813, gnomAD 0.005%). This sequence change replaces arginine, which is basic and polar, with cysteine, which is neutral and slightly polar, at codon 732 of the ATP2B4 protein (p.Arg732Cys).

NM_001684.5(ATP2B4):c.2194C>T (p.Arg732Cys)

Gene: ATP2B4 (ATPase plasma membrane Ca2+ transporting 4; plus strand). Cytogenetic location: 1q32.1.
Variant type: single nucleotide variant.
Coding change: c.2194C>T on transcript NM_001684.5 (MANE Select); coding-DNA position 2194, C replaced by T.
Protein change: p.Arg732Cys; replaces arginine 732 with cysteine.
Molecular consequence: missense variant.
Genome position (GRCh38, 1-based): chr1:203,712,122, C>T. VCF-style: chr1-203712122-C-T. GRCh37 (hg19) VCF-style: chr1-203681250-C-T.
Other names: c.2194C>T, p.Arg732Cys (NM_001001396.3, NM_001365783.2, NM_001365784.2); c.2194C>T (NM_001684.4); short protein forms R732C.
Identifiers: ClinVar variation 2977861 (VCV002977861.4), dbSNP rs768136813, ClinGen allele CA1341802.